The following is an entry in ClinVar:

ClinVar aggregate classification (germline): Pathogenic. Review status: reviewed by expert panel (3 of 4 stars). 4 submissions from 4 submitters: Pathogenic (1). 3 of the submissions do not count toward it. Last evaluated 2020-02-14.

Conditions:
Glycogen storage disease, type II (IOPD). Also called: GLYCOGENOSIS, GENERALIZED, CARDIAC FORM; Glucosidase acid-1,4-alpha deficiency; Pompe Disease; POMPE DISEASE, INFANTILE-ONSET; GSD II; Glycogen storage disease type 2. Identifiers: Orphanet 365, MedGen C0017921, MONDO:0009290, OMIM 232300.

gnomAD v4.1: 12 of 1,614,052 alleles (0.00074%); highest among the groups gnomAD compares: Non-Finnish European, 0.001%; no homozygotes.

Submissions (4):

ClinGen Lysosomal Storage Disorder Variant Curation Expert Panel
Classification: Pathogenic for Glycogen storage disease, type II. Last evaluated: 2020-02-14. Review status: reviewed by expert panel. Criteria: ClinGen LSD ACMG Specifications v1. Collection method: curation. Allele origin: germline. Inheritance: Autosomal recessive inheritance.
Comment: This variant, c.1687C>T (p.Gln563Ter), is a nonsense variant that is predicted to result in nonsense-mediated decay and lack of gene product. Therefore, PVS1 can be applied. This variant is absent in gnomAD v2.1.1, meeting PM2. It has been reported in trans with a frameshift variant in GAA, c.722_723delTT, in an individual who meets the ClinGen LSD VCEP's specifications for PP4 (PMID 19775921). This data meets PP4 and PM3. Additional patients with this variant have been reported but were not included because the residual GAA activity was not reported and therefore PP4 cannot be assessed (PMID 25741864). There is a ClinVar entry for this variant (Variation ID: 370357, one star review status) with one submitter classifying the variant as likely pathogenic. In summary, this variant meets the criteria to be classified as pathogenic for Pompe Disease. GAA-specific ACMG/AMP criteria applied, as specified by the ClinGen LSD VCEP: PVS1, PM2, PM3, PP4.

Genomenon, Inc
Classification: Pathogenic for Glycogen storage disease, type II. Last evaluated: 2026-07-01. Review status: criteria provided, single submitter. Criteria: Genomenon Sequence Variant Interpretation Standards - Updated. Collection method: curation. Allele origin: germline. Affected: yes. Not counted in ClinVar's aggregate classification.
Comment: GAA p.Gln563Ter (c.1687C>T) is a nonsense variant that introduces a premature stop codon at amino acid position 563 and is predicted to result in a truncated or absent protein product. This variant has been observed in at least one proband with a GAA-related disorder (PMID:25741864;25626711;22365055). It is absent or not present at a significant frequency in gnomAD. In conclusion, we classify GAA p.Gln563Ter (c.1687C>T) as a pathogenic variant.

Labcorp Genetics (formerly Invitae), Labcorp
Classification: Pathogenic for Glycogen storage disease, type II. Last evaluated: 2023-12-11. Review status: criteria provided, single submitter. Criteria: Invitae Variant Classification Sherloc (09022015). Collection method: clinical testing. Allele origin: germline. Not counted in ClinVar's aggregate classification.
Comment: This sequence change creates a premature translational stop signal (p.Gln563*) in the GAA gene. It is expected to result in an absent or disrupted protein product. Loss-of-function variants in GAA are known to be pathogenic (PMID: 18425781, 22252923). This variant is not present in population databases (gnomAD no frequency). This premature translational stop signal has been observed in individual(s) with Pompe disease (PMID: 11949932, 31254424). ClinVar contains an entry for this variant (Variation ID: 370357). Algorithms developed to predict the effect of sequence changes on RNA splicing suggest that this variant may disrupt the consensus splice site. For these reasons, this variant has been classified as Pathogenic.

Counsyl
Classification: Likely pathogenic for Glycogen storage disease, type II. Last evaluated: 2016-01-20. Review status: no assertion criteria provided. Collection method: clinical testing. Allele origin: unknown. Not counted in ClinVar's aggregate classification.

Literature cited by the submitters: PubMed 25741864 (cited by ClinGen Lysosomal Storage Disorder Variant Curation Expert Panel and Genomenon, Inc); PubMed 19775921 (cited by ClinGen Lysosomal Storage Disorder Variant Curation Expert Panel and Counsyl); PubMed 25626711 (cited by Genomenon, Inc); PubMed 22365055 (cited by Genomenon, Inc); PubMed 18425781 (cited by Labcorp Genetics (formerly Invitae), Labcorp); PubMed 22252923 (cited by Labcorp Genetics (formerly Invitae), Labcorp); PubMed 11949932 (cited by Labcorp Genetics (formerly Invitae), Labcorp); PubMed 31254424 (cited by Labcorp Genetics (formerly Invitae), Labcorp).

NM_000152.5(GAA):c.1687C>T (p.Gln563Ter)

Gene: GAA (alpha glucosidase; plus strand). Cytogenetic location: 17q25.3.
Variant type: single nucleotide variant.
Coding change: c.1687C>T on transcript NM_000152.5 (MANE Select); coding-DNA position 1687, C replaced by T.
Protein change: p.Gln563Ter; replaces glutamine 563 with a stop codon.
Molecular consequence: nonsense.
Genome position (GRCh38, 1-based): chr17:80,112,033, C>T. VCF-style: chr17-80112033-C-T. GRCh37 (hg19) VCF-style: chr17-78085832-C-T.
Other names: c.1687C>T (LRG_673t1); c.1687C>T, p.Gln563Ter (NM_001079803.3, NM_001079804.3); short protein forms Q563*.
Identifiers: ClinVar variation 370357 (VCV000370357.11), dbSNP rs1057516426, ClinGen allele CA16041895.
Genomic context (GRCh38, chr17:80,112,033, plus strand): 5'-CCTCTTCCAGGGGTGGTTGGGGGGACCCTCCAGGCGGCCACCATCTGTGCCTCCAGCCAC[C>T]AGTTTCTCTCCACACACTACAACCTGCACAACCTCTACGGCCTGACCGAAGCCATCGCCT-3'